The following is an entry in ClinVar:

ClinVar aggregate classification (germline): Pathogenic (1 of 4 stars; one submission).

Conditions:
Cardiac arrhythmia. Also called: Cardiac rhythm disease; Arrhythmia. Identifiers: MedGen C0003811, MONDO:0007263, HP:0011675.

Submission:

Color Diagnostics, LLC DBA Color Health
Classification: Pathogenic for Cardiac arrhythmia. Last evaluated: 2020-03-13. Review status: criteria provided, single submitter. Criteria: ACMG Guidelines, 2015. Collection method: clinical testing. Allele origin: germline.
Comment: This variant inserts 19 nucleotides in exon 11 of the KCNQ1 gene, creating a frameshift and premature translation stop signal. This variant is expected to result in an absent or non-functional protein product. To our knowledge, this variant has not been reported in individuals affected with cardiovascular disorders in the literature. This variant has not been identified in the general population by the Genome Aggregation Database (gnomAD). Loss of KCNQ1 function is a known mechanism of disease. Based on the available evidence, this variant is classified as Pathogenic.

NM_000218.3(KCNQ1):c.1443_1461dup (p.Asp488fs)

Genes: KCNQ1 (potassium voltage-gated channel subfamily Q member 1; plus strand), KCNQ1OT1 (KCNQ1 opposite strand/antisense transcript 1; minus strand). Cytogenetic location: 11p15.5.
Variant type: Duplication.
Coding change: c.1443_1461dup on transcript NM_000218.3 (MANE Select); coding-DNA positions 1443 to 1461, 19 bases duplicated (AACCAACAGCTTCGCCGAG).
Protein change: p.Asp488fs; shifts the reading frame from aspartic acid 488.
Molecular consequence: frameshift variant.
Genome position (GRCh38, 1-based): chr11:2,662,010-2,662,028, AACCAACAGCTTCGCCGAG duplicated; duplicating any 19 consecutive bases within chr11:2,662,007-2,662,028 gives the same sequence; the c. name uses the placement nearest the transcript's 3' end. VCF-style (leftmost placement, unchanged base first): chr11-2662006-T-TGAGAACCAACAGCTTCGCC. GRCh37 (hg19) VCF-style: chr11-2683236-T-TGAGAACCAACAGCTTCGCC.
Other names: c.1347_1365dup, p.Asp456fs (NM_001406836.1); c.1173_1191dup, p.Asp398fs (NM_001406837.1); c.903_921dup, p.Asp308fs (NM_001406838.1); c.1062_1080dup, p.Asp361fs (NM_181798.2); short protein forms D488fs, D361fs, D308fs, D398fs, D456fs.
Identifiers: ClinVar variation 926196 (VCV000926196.6), dbSNP rs1849966157, ClinGen allele CA1139661785.
Genomic context (GRCh38, chr11:2,662,006, plus strand): 5'-ACACTTTCTCCTCAGTAAGGAAGAGCCCAACACTGCTGGAAGTGAGCATGCCCCATTTCA[T>TGAGAACCAACAGCTTCGCC]GAGAACCAACAGCTTCGCCGAGGACCTGGACCTGGAAGGGGAGACTCTGCTGACACCCAT-3'